The following is an entry in ClinVar:

ClinVar aggregate classification (germline): Uncertain significance (1 of 4 stars; one submission).

Conditions:
Nemaline myopathy 10 (NEM10). Identifiers: MedGen C4015360, MONDO:0014513, OMIM 616165.

Submission:

Labcorp Genetics (formerly Invitae), Labcorp
Classification: Uncertain significance for Nemaline myopathy 10. Last evaluated: 2022-03-03. Review status: criteria provided, single submitter. Criteria: Invitae Variant Classification Sherloc (09022015). Collection method: clinical testing. Allele origin: germline.
Comment: In summary, the available evidence is currently insufficient to determine the role of this variant in disease. Therefore, it has been classified as a Variant of Uncertain Significance. Experimental studies and prediction algorithms are not available or were not evaluated, and the functional significance of this variant is currently unknown. ClinVar contains an entry for this variant (Variation ID: 850950). This variant has not been reported in the literature in individuals affected with LMOD3-related conditions. This variant is not present in population databases (gnomAD no frequency). This variant, c.453_458del, results in the deletion of 2 amino acid(s) of the LMOD3 protein (p.Glu151_Asp152del), but otherwise preserves the integrity of the reading frame.

NM_198271.5(LMOD3):c.453_458del (p.Glu151_Asp152del)

Gene: LMOD3 (leiomodin 3; minus strand). Cytogenetic location: 3p14.1.
Variant type: Deletion.
Coding change: c.453_458del on transcript NM_198271.5 (MANE Select); coding-DNA positions 453 to 458, 6 bases deleted (AGATGA; older notation c.453_458delAGATGA).
Protein change: p.Glu151_Asp152del.
Molecular consequence: inframe deletion.
Genome position (GRCh38, 1-based): chr3:69,119,897-69,119,902, TCATCT deleted on the plus strand (AGATGA on the coding strand, the reverse complement: LMOD3 is on the minus strand); deleting any 6 consecutive bases within chr3:69,119,897-69,119,904 gives the same sequence; the c. name uses the placement nearest the transcript's 3' end. VCF-style (leftmost placement, unchanged base first): chr3-69119896-ATCATCT-A. GRCh37 (hg19) VCF-style: chr3-69169047-ATCATCT-A.
Other names: c.453_458del, p.Glu151_Asp152del (NM_001304418.3).
Identifiers: ClinVar variation 850950 (VCV000850950.6), dbSNP rs2092399265, ClinGen allele CA916082581.